The following is an entry in ClinVar:

ClinVar aggregate classification (germline): Benign/Likely benign. Review status: criteria provided, multiple submitters, no conflicts (2 of 4 stars). 4 submissions from 4 submitters: Benign (2); Likely benign (2). Last evaluated 2026-01-27.

Conditions:
Neuronal ceroid lipofuscinosis. Also called: Neuronal Ceroid Lipofuscinoses. Identifiers: Orphanet 216, Orphanet 79263, MedGen C0027877, MONDO:0016295. Disease mechanism: loss of function.
Neuronal ceroid lipofuscinosis 3 (CLN3). Identifiers: Orphanet 228346, MedGen C0751383, MONDO:0008767, OMIM 204200.

Allele frequency attached by ClinVar (database versions not stated): 1000 Genomes Project 30x 0.00016; 1000 Genomes Project 0.00020; gnomAD 0.00051; ESP Exome Variant Server 0.00054; TOPMed 0.00076.
gnomAD v4.1: 1,757 of 1,609,592 alleles (0.11%); highest among the groups gnomAD compares: Middle Eastern, 0.26%; 4 homozygotes.

Submissions (7):

Labcorp Genetics (formerly Invitae), Labcorp
Classification: Likely benign for Neuronal ceroid lipofuscinosis. Last evaluated: 2026-01-27. Review status: criteria provided, single submitter. Criteria: Invitae Variant Classification Sherloc (09022015). Collection method: clinical testing. Allele origin: germline.

ARUP Laboratories, Molecular Genetics and Genomics, ARUP Laboratories
Classification: Benign for Neuronal ceroid lipofuscinosis 3. Last evaluated: 2025-03-06. Review status: criteria provided, single submitter. Criteria: ARUP Molecular Germline Variant Investigation Process 2024. Collection method: clinical testing. Allele origin: germline.

Blueprint Genetics
Classification: Likely benign. Last evaluated: 2024-11-21. Review status: criteria provided, single submitter. Criteria: ACMG Guidelines, 2015. Collection method: clinical testing. Allele origin: germline.

GeneDx
Classification: Benign. Last evaluated: 2013-06-05. Review status: criteria provided, single submitter. Criteria: GeneDx Variant Classification (06012015). Collection method: clinical testing. Allele origin: germline. Affected: yes.
Comment: This variant is considered likely benign or benign based on one or more of the following criteria: it is a conservative change, it occurs at a poorly conserved position in the protein, it is predicted to be benign by multiple in silico algorithms, and/or has population frequency not consistent with disease.

Dr. Peter K. Rogan Lab, Western University
No classification provided (evidence only). Condition: Sarcoma. Review status: no classification provided. Collection method: in vitro. Allele origin: not applicable. Functional consequence: retained intron. Not counted in ClinVar's aggregate classification.

Dr. Peter K. Rogan Lab, Western University
No classification provided (evidence only). Condition: Sarcoma. Review status: no classification provided. Collection method: in vitro. Allele origin: not applicable. Functional consequence: retained intron. Not counted in ClinVar's aggregate classification.

Dr. Peter K. Rogan Lab, Western University
No classification provided (evidence only). Condition: Ovarian serous cystadenocarcinoma. Review status: no classification provided. Collection method: in vitro. Allele origin: not applicable. Functional consequence: retained intron. Not counted in ClinVar's aggregate classification.

NM_001042432.2(CLN3):c.963-16C>G

Gene: CLN3 (CLN3 lysosomal/endosomal transmembrane protein, battenin; minus strand). Cytogenetic location: 16p12.1.
Variant type: single nucleotide variant.
Coding change: c.963-16C>G on transcript NM_001042432.2 (MANE Select); 16 bases into the intron before coding-DNA position 963, C replaced by G.
Molecular consequence: intron variant.
Genome position (GRCh38, 1-based): chr16:28,482,214, G>C on the plus strand (C>G on the coding strand, the complement: CLN3 is on the minus strand). VCF-style: chr16-28482214-G-C. GRCh37 (hg19) VCF-style: chr16-28493535-G-C.
Other names: c.729-16C>G (NM_001286109.2); c.891-16C>G (NM_001286104.2); c.663-16C>G (NM_001286105.2); c.801-16C>G (NM_001286110.2); c.963-16C>G (NM_000086.2).
Identifiers: ClinVar variation 136781 (VCV000136781.13), dbSNP rs200023908, ClinGen allele CA290113.
Genomic context (GRCh38, chr16:28,482,214, plus strand): 5'-GAAGAGCGGGAGGCAAAGACGCCAGCCTGGTACAGCATCTGGTACCTGAGGTTAGGGTTG[G>C]GGGGAGGAGAGGAGGCTCCTCCAGGGACCATCCCGCTCCCCCCGGTGCCTACTGGGCAGG-3'